The following is an entry in ClinVar:

ClinVar aggregate classification (germline): Uncertain significance (1 of 4 stars; one submission).

gnomAD v4.1: 6 of 1,613,054 alleles (0.00037%); highest among the groups gnomAD compares: African/African-American, 0.004%; no homozygotes.

Submission:

Labcorp Genetics (formerly Invitae), Labcorp
Classification: Uncertain significance. Last evaluated: 2025-05-19. Review status: criteria provided, single submitter. Criteria: Invitae Variant Classification Sherloc (09022015). Collection method: clinical testing. Allele origin: germline.
Comment: This sequence change replaces valine, which is neutral and non-polar, with methionine, which is neutral and non-polar, at codon 722 of the CFB protein (p.Val722Met). This variant is present in population databases (rs775365194, gnomAD 0.004%). This variant has not been reported in the literature in individuals affected with CFB-related conditions. Invitae Evidence Modeling of protein sequence and biophysical properties (such as structural, functional, and spatial information, amino acid conservation, physicochemical variation, residue mobility, and thermodynamic stability) indicates that this missense variant is not expected to disrupt CFB protein function with a negative predictive value of 80%. In summary, the available evidence is currently insufficient to determine the role of this variant in disease. Therefore, it has been classified as a Variant of Uncertain Significance.

NM_001710.6(CFB):c.2164G>A (p.Val722Met)

Gene: CFB (complement factor B; plus strand). Cytogenetic location: 6p21.33.
Variant type: single nucleotide variant.
Coding change: c.2164G>A on transcript NM_001710.6 (MANE Select); coding-DNA position 2164, G replaced by A.
Protein change: p.Val722Met; replaces valine 722 with methionine.
Molecular consequence: missense variant.
Genome position (GRCh38, 1-based): chr6:31,951,899, G>A. VCF-style: chr6-31951899-G-A. GRCh37 (hg19) VCF-style: chr6-31919676-G-A.
Other names: short protein forms V722M.
Identifiers: ClinVar variation 4693602 (VCV004693602.1).